The following is an entry in ClinVar:

NM_152424.4(AMER1):c.550G>A (p.Val184Ile)

Gene: AMER1 (APC membrane recruitment protein 1; minus strand). Cytogenetic location: Xq11.2.
Variant type: single nucleotide variant.
Coding change: c.550G>A on transcript NM_152424.4 (MANE Select); coding-DNA position 550, G replaced by A.
Protein change: p.Val184Ile; replaces valine 184 with isoleucine.
Molecular consequence: missense variant.
Genome position (GRCh38, 1-based): chrX:64,192,737, C>T on the plus strand (G>A on the coding strand, the complement: AMER1 is on the minus strand). VCF-style: chrX-64192737-C-T. GRCh37 (hg19) VCF-style: chrX-63412617-C-T.
Other names: short protein forms V184I.
Identifiers: ClinVar variation 3709038 (VCV003709038.2).

ClinVar aggregate classification (germline): Uncertain significance (1 of 4 stars; one submission).

Submission:

Labcorp Genetics (formerly Invitae), Labcorp
Classification: Uncertain significance. Last evaluated: 2024-03-26. Review status: criteria provided, single submitter. Criteria: Invitae Variant Classification Sherloc (09022015). Collection method: clinical testing. Allele origin: germline.
Comment: This sequence change replaces valine, which is neutral and non-polar, with isoleucine, which is neutral and non-polar, at codon 184 of the AMER1 protein (p.Val184Ile). This variant is present in population databases (no rsID available, gnomAD 0.09%). This variant has not been reported in the literature in individuals affected with AMER1-related conditions. Algorithms developed to predict the effect of missense changes on protein structure and function output the following: SIFT: "Not Available"; PolyPhen-2: "Benign"; Align-GVGD: "Not Available". The isoleucine amino acid residue is found in multiple mammalian species, which suggests that this missense change does not adversely affect protein function. In summary, the available evidence is currently insufficient to determine the role of this variant in disease. Therefore, it has been classified as a Variant of Uncertain Significance.